The following is an entry in ClinVar:

ClinVar aggregate classification (germline): Pathogenic (1 of 4 stars; one submission).

Conditions:
MCADD - Medium-chain acyl-CoA dehydrogenase deficiency – full ACADM sequencing newborn screening follow up.

Submission:

Genetics Laboratory, Great Ormond Street Hospital NHS Foundation Trust, North Thames Genomic Laboratory Hub
Classification: Pathogenic for MCADD - Medium-chain acyl-CoA dehydrogenase deficiency – full ACADM sequencing newborn screening follow up. Last evaluated: 2026-07-22. Review status: criteria provided, single submitter. Criteria: ACGS Best Practice Guidelines for Variant Classification in Rare Disease 2024 v1.2. Collection method: clinical testing. Allele origin: germline. Affected: yes.
Comment: PM2_moderate, PVS1_very-strong, PP4_moderate

NM_000016.6(ACADM):c.441del (p.Arg148fs)

Gene: ACADM (acyl-CoA dehydrogenase medium chain; plus strand). Cytogenetic location: 1p31.1.
Variant type: Deletion.
Coding change: c.441del on transcript NM_000016.6 (MANE Select); coding-DNA position 441, one base deleted (G; older notation c.441delG).
Protein change: p.Arg148fs; shifts the reading frame from arginine 148.
Molecular consequence: frameshift variant. On other transcripts: intron variant (1).
Genome position (GRCh38, 1-based): chr1:75,734,844, G deleted; the last of 4 consecutive G bases (chr1:75,734,841-75,734,844); deleting any one gives the same sequence. VCF-style (leftmost placement, unchanged base first): chr1-75734840-TG-T. GRCh37 (hg19) VCF-style: chr1-76200525-TG-T.
Other names: c.453del, p.Arg152fs (NM_001127328.3); c.333del, p.Arg112fs (NM_001286042.2); c.540del, p.Arg181fs (NM_001286043.2); c.-100+1922del (NM_001286044.2); short protein forms R112fs, R148fs, R152fs, R181fs.
Identifiers: ClinVar variation 4974942 (VCV004974942.1).
Genomic context (GRCh38, chr1:75,734,840, plus strand): 5'-TTCTTCGGTAGCAAATGCCTATTATTATTGCTGGAAATGATCAACAAAAGAAGAAGTATT[TG>T]GGGAGAATGACTGAGGAGCCATTGATGTGTGTGAGTATGTGTAACTGCCGCTTTATTTCA-3'